The following is an entry in ClinVar:

NM_001378454.1(ALMS1):c.11414G>A (p.Arg3805Gln)

Gene: ALMS1 (ALMS1 centrosome and basal body associated protein; plus strand). Cytogenetic location: 2p13.1.
Variant type: single nucleotide variant.
Coding change: c.11414G>A on transcript NM_001378454.1 (MANE Select); coding-DNA position 11414, G replaced by A.
Protein change: p.Arg3805Gln; replaces arginine 3805 with glutamine.
Molecular consequence: missense variant.
Genome position (GRCh38, 1-based): chr2:73,573,291, G>A. VCF-style: chr2-73573291-G-A. GRCh37 (hg19) VCF-style: chr2-73800418-G-A.
Other names: c.11417G>A, p.Arg3806Gln (NM_015120.4); short protein forms R3806Q, R3805Q.
Identifiers: ClinVar variation 553046 (VCV000553046.10), dbSNP rs201646938, ClinGen allele CA1715189.

ClinVar aggregate classification (germline): Conflicting classifications of pathogenicity. Review status: criteria provided, conflicting classifications (1 of 4 stars). 6 submissions from 6 submitters: Uncertain significance (4); Likely benign (1). 1 of the submissions does not count toward it. Last evaluated 2025-05-21.

Conditions:
Cardiovascular phenotype. Identifiers: MedGen CN230736.
Alstrom syndrome (ALMS). Identifiers: Orphanet 64, MedGen C0268425, MONDO:0008763, OMIM 203800.

Allele frequency attached by ClinVar (database versions not stated): TOPMed 0.00002; ExAC 0.00003; gnomAD exomes 0.00003; gnomAD 0.00006; 1000 Genomes Project 0.00040; 1000 Genomes Project 30x 0.00047.
gnomAD v4.1: 19 of 1,614,034 alleles (0.0012%); highest among the groups gnomAD compares: African/African-American, 0.015%; no homozygotes.

Submissions (6):

Ambry Genetics
Classification: Uncertain significance for Cardiovascular phenotype. Last evaluated: 2025-05-21. Review status: criteria provided, single submitter. Criteria: Ambry Variant Classification Scheme 2023. Collection method: clinical testing. Allele origin: germline.
Comment: The p.R3806Q variant (also known as c.11417G>A), located in coding exon 16 of the ALMS1 gene, results from a G to A substitution at nucleotide position 11417. The arginine at codon 3806 is replaced by glutamine, an amino acid with highly similar properties. This amino acid position is not well conserved in available vertebrate species. In addition, the in silico prediction for this alteration is inconclusive. Based on the available evidence, the clinical significance of this variant remains unclear.

Women's Health and Genetics/Laboratory Corporation of America, LabCorp
Classification: Uncertain significance. Last evaluated: 2024-11-18. Review status: criteria provided, single submitter. Criteria: LabCorp Variant Classification Summary - May 2015. Collection method: clinical testing. Allele origin: germline.
Comment: Variant summary: ALMS1 c.11411G>A (p.Arg3804Gln) results in a conservative amino acid change in the encoded protein sequence. This variant is also referenced as c.11417G>A (p.Arg3806Gln) in the literature. Four of five in-silico tools predict a benign effect of the variant on protein function. The variant allele was found at a frequency of 2.8e-05 in 248990 control chromosomes. The available data on variant occurrences in the general population are insufficient to allow any conclusion about variant significance. c.11411G>A has been reported in the literature in an individual affected with postprandial hyperinsulinemia (e.g, Zhang_2024). This report does not provide unequivocal conclusions about association of the variant with Alstrom Syndrome. To our knowledge, no experimental evidence demonstrating an impact on protein function has been reported. The following publication has been ascertained in the context of this evaluation (PMID: 38546151). ClinVar contains an entry for this variant (Variation ID: 553046). Based on the evidence outlined above, the variant was classified as uncertain significance.

Labcorp Genetics (formerly Invitae), Labcorp
Classification: Uncertain significance for Alstrom syndrome. Last evaluated: 2022-04-18. Review status: criteria provided, single submitter. Criteria: Invitae Variant Classification Sherloc (09022015). Collection method: clinical testing. Allele origin: germline.
Comment: This sequence change replaces arginine, which is basic and polar, with glutamine, which is neutral and polar, at codon 3806 of the ALMS1 protein (p.Arg3806Gln). This variant is present in population databases (rs201646938, gnomAD 0.02%). This variant has not been reported in the literature in individuals affected with ALMS1-related conditions. ClinVar contains an entry for this variant (Variation ID: 553046). Experimental studies and prediction algorithms are not available or were not evaluated, and the functional significance of this variant is currently unknown. In summary, the available evidence is currently insufficient to determine the role of this variant in disease. Therefore, it has been classified as a Variant of Uncertain Significance.

GeneDx
Classification: Uncertain significance. Last evaluated: 2021-12-30. Review status: criteria provided, single submitter. Criteria: GeneDx Variant Classification Process June 2021. Collection method: clinical testing. Allele origin: germline. Affected: yes.
Comment: Has not been previously published as pathogenic or benign to our knowledge; In silico analysis supports that this variant does not alter splicing

Blueprint Genetics
Classification: Likely benign. Last evaluated: 2021-06-10. Review status: criteria provided, single submitter. Criteria: ACMG Guidelines, 2015. Collection method: clinical testing. Allele origin: germline.

Counsyl
Classification: Uncertain significance for Alstrom syndrome. Last evaluated: 2017-07-25. Review status: no assertion criteria provided. Collection method: clinical testing. Allele origin: unknown. Not counted in ClinVar's aggregate classification.

Literature cited by the submitters: PubMed 38546151 (cited by Women's Health and Genetics/Laboratory Corporation of America, LabCorp).